The following is an entry in ClinVar:

NM_181332.3(NLGN4X):c.1887C>T (p.Pro629=)

Gene: NLGN4X (neuroligin 4 X-linked; minus strand). Cytogenetic location: Xp22.32.
Variant type: single nucleotide variant.
Coding change: c.1887C>T on transcript NM_181332.3 (MANE Select); coding-DNA position 1887, C replaced by T.
Protein change: p.Pro629=; no amino-acid change (proline 629 retained).
Molecular consequence: synonymous variant.
Genome position (GRCh38, 1-based): chrX:5,893,381, G>A on the plus strand (C>T on the coding strand, the complement: NLGN4X is on the minus strand). VCF-style: chrX-5893381-G-A. GRCh37 (hg19) VCF-style: chrX-5811422-G-A.
Other names: c.1887C>T, p.Pro629= (NM_001282145.2, NM_001282146.2, NM_020742.4).
Identifiers: ClinVar variation 211680 (VCV000211680.30), dbSNP rs778014568, ClinGen allele CA205473.

ClinVar aggregate classification (germline): Conflicting classifications of pathogenicity. Review status: criteria provided, conflicting classifications (1 of 4 stars). 2 submissions from 2 submitters: Uncertain significance (1); Likely benign (1). Last evaluated 2022-06-01.

Allele frequency attached by ClinVar (database versions not stated): ExAC 0.00001; gnomAD exomes 0.00002; gnomAD 0.00007 and 0.00008; TOPMed 0.00008.
gnomAD v4.1: 32 of 1,208,100 alleles (0.0026%); highest among the groups gnomAD compares: Middle Eastern, 0.023%; no homozygotes.

Submissions (2):

CeGaT Center for Human Genetics Tuebingen
Classification: Likely benign. Last evaluated: 2022-06-01. Review status: criteria provided, single submitter. Criteria: CeGaT Center For Human Genetics Tuebingen Variant Classification Criteria Version 2. Collection method: clinical testing. Allele origin: germline. Affected: yes. Observed: 1 variant allele.
Comment: NLGN4X: BP4, BP7

Genetic Services Laboratory, University of Chicago
Classification: Uncertain significance. Last evaluated: 2015-04-07. Review status: criteria provided, single submitter. Criteria: ACMG Guidelines, 2015. Collection method: clinical testing. Allele origin: germline.